The following is an entry in ClinVar:

NM_002303.6(LEPR):c.2674-3012A>C

Gene: LEPR (leptin receptor; plus strand). Cytogenetic location: 1p31.3.
Variant type: single nucleotide variant.
Coding change: c.2674-3012A>C on transcript NM_002303.6 (MANE Select); 3012 bases into the intron before coding-DNA position 2674, A replaced by C.
Molecular consequence: intron variant. On other transcripts: 3 prime UTR variant (2).
Genome position (GRCh38, 1-based): chr1:65,633,179, A>C. VCF-style: chr1-65633179-A-C. GRCh37 (hg19) VCF-style: chr1-66098862-A-C.
Other names: c.*10A>C (NM_001003679.3, NM_001198689.2).
Identifiers: ClinVar variation 4991482 (VCV004991482.1).

ClinVar aggregate classification (germline): Likely benign (1 of 4 stars; one submission).

Conditions:
LEPR-related disorder. Also called: LEPR-related condition; LEPR-related disorders.

Submission:

PreventionGenetics, part of Exact Sciences
Classification: Likely benign for LEPR-related condition. Last evaluated: 2026-07-31. Review status: criteria provided, single submitter. Criteria: ACMG Guidelines, 2015. Collection method: clinical testing. Allele origin: germline.
Comment: This variant is classified as likely benign based on ACMG/AMP sequence variant interpretation guidelines (Richards et al. 2015 PMID: 25741868, with internal and published modifications).